The following is an entry in ClinVar:

ClinVar aggregate classification (germline): Uncertain significance (1 of 4 stars; one submission).

Conditions:
Hereditary cancer-predisposing syndrome. Also called: Neoplastic Syndromes, Hereditary; Tumor predisposition; Hereditary Cancer Syndrome; Hereditary neoplastic syndrome. Identifiers: Orphanet 140162, MedGen C0027672, MeSH D009386, MONDO:0015356.

Submission:

Ambry Genetics
Classification: Uncertain significance for Hereditary cancer-predisposing syndrome. Last evaluated: 2026-04-08. Review status: criteria provided, single submitter. Criteria: Ambry Variant Classification Scheme 2023. Collection method: clinical testing. Allele origin: germline.
Comment: The p.T757N variant (also known as c.2270C>A), located in coding exon 20 of the POLE gene, results from a C to A substitution at nucleotide position 2270. The threonine at codon 757 is replaced by asparagine, an amino acid with similar properties. This amino acid position is highly conserved in available vertebrate species. In addition, the in silico prediction for this alteration is inconclusive. Based on the available evidence, the clinical significance of this variant remains unclear.

NM_006231.4(POLE):c.2270C>A (p.Thr757Asn)

Gene: POLE (DNA polymerase epsilon, catalytic subunit; minus strand). Cytogenetic location: 12q24.33.
Variant type: single nucleotide variant.
Coding change: c.2270C>A on transcript NM_006231.4 (MANE Select); coding-DNA position 2270, C replaced by A.
Protein change: p.Thr757Asn; replaces threonine 757 with asparagine.
Molecular consequence: missense variant.
Genome position (GRCh38, 1-based): chr12:132,667,552, G>T on the plus strand (C>A on the coding strand, the complement: POLE is on the minus strand). VCF-style: chr12-132667552-G-T. GRCh37 (hg19) VCF-style: chr12-133244138-G-T.
Other names: short protein forms T757N.
Identifiers: ClinVar variation 4862269 (VCV004862269.1).